The following is an entry in ClinVar:

ClinVar aggregate classification (germline): Uncertain significance (1 of 4 stars; one submission).

Submission:

GeneDx
Classification: Uncertain significance. Last evaluated: 2024-03-29. Review status: criteria provided, single submitter. Criteria: GeneDx Variant Classification Process June 2021. Collection method: clinical testing. Allele origin: germline. Affected: yes.
Comment: Has not been previously published as pathogenic or benign to our knowledge; Not observed at significant frequency in large population cohorts (gnomAD); In silico analysis supports that this missense variant has a deleterious effect on protein structure/function

NM_004371.4(COPA):c.3392T>G (p.Leu1131Arg)

Gene: COPA (COPI coat complex subunit alpha; minus strand). Cytogenetic location: 1q23.2.
Variant type: single nucleotide variant.
Coding change: c.3392T>G on transcript NM_004371.4 (MANE Select); coding-DNA position 3392, T replaced by G.
Protein change: p.Leu1131Arg; replaces leucine 1131 with arginine.
Molecular consequence: missense variant.
Genome position (GRCh38, 1-based): chr1:160,291,363, A>C on the plus strand (T>G on the coding strand, the complement: COPA is on the minus strand). VCF-style: chr1-160291363-A-C. GRCh37 (hg19) VCF-style: chr1-160261153-A-C.
Other names: c.3419T>G, p.Leu1140Arg (NM_001098398.2); short protein forms L1131R, L1140R.
Identifiers: ClinVar variation 3371631 (VCV003371631.1).